The following is an entry in ClinVar:

ClinVar aggregate classification (germline): Uncertain significance. Review status: criteria provided, multiple submitters, no conflicts (2 of 4 stars). 2 submissions from 2 submitters: Uncertain significance (2). Last evaluated 2025-06-02.

Conditions:
Primary ciliary dyskinesia. Also called: Ciliary dyskinesia. Identifiers: Orphanet 244, MedGen C0008780, MONDO:0016575, HP:0012265.
Orofaciodigital syndrome I (OFD1). Also called: OFDS I; Papillon-Leage and Psaume Syndrome; Oral-Facial-Digital Syndrome Type I. Identifiers: Orphanet 2750, MedGen C1510460, MONDO:0010702, OMIM 311200.
Joubert syndrome. Also called: JOUBERT-BOLTSHAUSER SYNDROME; Familial aplasia of the vermis. Identifiers: Orphanet 475, MedGen C5979921, MONDO:0018772.

Submissions (2):

Labcorp Genetics (formerly Invitae), Labcorp
Classification: Uncertain significance for Orofaciodigital syndrome I; Joubert syndrome. Last evaluated: 2025-06-02. Review status: criteria provided, single submitter. Criteria: Invitae Variant Classification Sherloc (09022015). Collection method: clinical testing. Allele origin: germline.
Comment: This sequence change replaces asparagine, which is neutral and polar, with serine, which is neutral and polar, at codon 956 of the OFD1 protein (p.Asn956Ser). This variant is not present in population databases (gnomAD no frequency). This variant has not been reported in the literature in individuals affected with OFD1-related conditions. ClinVar contains an entry for this variant (Variation ID: 1717988). Invitae Evidence Modeling of protein sequence and biophysical properties (such as structural, functional, and spatial information, amino acid conservation, physicochemical variation, residue mobility, and thermodynamic stability) indicates that this missense variant is not expected to disrupt OFD1 protein function with a negative predictive value of 80%. In summary, the available evidence is currently insufficient to determine the role of this variant in disease. Therefore, it has been classified as a Variant of Uncertain Significance.

Ambry Genetics
Classification: Uncertain significance for Primary ciliary dyskinesia. Last evaluated: 2020-03-18. Review status: criteria provided, single submitter. Criteria: Ambry Variant Classification Scheme 2023. Collection method: clinical testing. Allele origin: germline.
Comment: The p.N956S variant (also known as c.2867A>G), located in coding exon 21 of the OFD1 gene, results from an A to G substitution at nucleotide position 2867. The asparagine at codon 956 is replaced by serine, an amino acid with highly similar properties. This amino acid position is well conserved in available vertebrate species. In addition, this alteration is predicted to be tolerated by in silico analysis. Since supporting evidence is limited at this time, the clinical significance of this alteration remains unclear.

NM_003611.3(OFD1):c.2867A>G (p.Asn956Ser)

Gene: OFD1 (OFD1 centriole and centriolar satellite protein; plus strand). Cytogenetic location: Xp22.2.
Variant type: single nucleotide variant.
Coding change: c.2867A>G on transcript NM_003611.3 (MANE Select); coding-DNA position 2867, A replaced by G.
Protein change: p.Asn956Ser; replaces asparagine 956 with serine.
Molecular consequence: missense variant.
Genome position (GRCh38, 1-based): chrX:13,768,163, A>G. VCF-style: chrX-13768163-A-G. GRCh37 (hg19) VCF-style: chrX-13786282-A-G.
Other names: c.2747A>G, p.Asn916Ser (NM_001330209.2); c.2447A>G, p.Asn816Ser (NM_001330210.2); short protein forms N816S, N916S, N956S.
Identifiers: ClinVar variation 1717988 (VCV001717988.8), dbSNP rs2518998749, ClinGen allele CA412313462.